The following is an entry in ClinVar:

NM_000899.5(KITLG):c.509G>A (p.Ser170Asn)

Gene: KITLG (KIT ligand; minus strand). Cytogenetic location: 12q21.32.
Variant type: single nucleotide variant.
Coding change: c.509G>A on transcript NM_000899.5 (MANE Select); coding-DNA position 509, G replaced by A.
Protein change: p.Ser170Asn; replaces serine 170 with asparagine.
Molecular consequence: missense variant.
Genome position (GRCh38, 1-based): chr12:88,516,345, C>T on the plus strand (G>A on the coding strand, the complement: KITLG is on the minus strand). VCF-style: chr12-88516345-C-T. GRCh37 (hg19) VCF-style: chr12-88910122-C-T.
Other names: c.509G>A, p.Ser170Asn (NM_003994.6); c.509G>A (NM_000899.4); short protein forms S170N.
Identifiers: ClinVar variation 1436578 (VCV001436578.8), dbSNP rs767653942, ClinGen allele CA6713687.

ClinVar aggregate classification (germline): Uncertain significance. Review status: criteria provided, multiple submitters, no conflicts (2 of 4 stars). 2 submissions from 2 submitters: Uncertain significance (2). Last evaluated 2026-07-21.

Allele frequency attached by ClinVar (database versions not stated): gnomAD exomes 0.00002 and 0.00006; ExAC 0.00003; gnomAD 0.00008 and 0.00009; TOPMed 0.00009.
gnomAD v4.1: 39 of 1,610,738 alleles (0.0024%); highest among the groups gnomAD compares: Admixed American, 0.037%; no homozygotes.

Submissions (2):

GeneDx
Classification: Uncertain significance. Last evaluated: 2026-07-21. Review status: criteria provided, single submitter. Criteria: GeneDx Variant Classification Process June 2021. Collection method: clinical testing. Allele origin: germline.
Comment: In silico analysis suggests that this missense variant does not alter protein structure/function; Has not been previously published as pathogenic or benign to our knowledge

Labcorp Genetics (formerly Invitae), Labcorp
Classification: Uncertain significance. Last evaluated: 2025-12-08. Review status: criteria provided, single submitter. Criteria: Invitae Variant Classification Sherloc (09022015). Collection method: clinical testing. Allele origin: germline.
Comment: This sequence change replaces serine, which is neutral and polar, with asparagine, which is neutral and polar, at codon 170 of the KITLG protein (p.Ser170Asn). This variant is present in population databases (rs767653942, gnomAD 0.03%), and has an allele count higher than expected for a pathogenic variant. This variant has not been reported in the literature in individuals affected with KITLG-related conditions. ClinVar contains an entry for this variant (Variation ID: 1436578). Invitae Evidence Modeling of protein sequence and biophysical properties (such as structural, functional, and spatial information, amino acid conservation, physicochemical variation, residue mobility, and thermodynamic stability) indicates that this missense variant is not expected to disrupt KITLG protein function with a negative predictive value of 80%. In summary, the available evidence is currently insufficient to determine the role of this variant in disease. Therefore, it has been classified as a Variant of Uncertain Significance.